The following is an entry in ClinVar:

NM_017433.5(MYO3A):c.625G>A (p.Ala209Thr)

Gene: MYO3A (myosin IIIA; plus strand). Cytogenetic location: 10p12.1.
Variant type: single nucleotide variant.
Coding change: c.625G>A on transcript NM_017433.5 (MANE Select); coding-DNA position 625, G replaced by A.
Protein change: p.Ala209Thr; replaces alanine 209 with threonine.
Molecular consequence: missense variant.
Genome position (GRCh38, 1-based): chr10:26,021,542, G>A. VCF-style: chr10-26021542-G-A. GRCh37 (hg19) VCF-style: chr10-26310471-G-A.
Other names: c.625G>A, p.Ala209Thr (NM_001368265.1); short protein forms A209T.
Identifiers: ClinVar variation 1308607 (VCV001308607.4), dbSNP rs777926817, ClinGen allele CA204355796.
Genomic context (GRCh38, chr10:26,021,542, plus strand): 5'-GATGGTGTGGTTTTCTACTAGGTGATTGCATGTGAACAGCAATTGGATACCACTTATGAC[G>A]CCAGATGTGACACTTGGTCCCTGGGTATCACGGCCATTGAGCTGGGTGATGGAGATCCTC-3'
Protein context (NP_059129.3, residues 199-219): CEQQLDTTYD[Ala209Thr]RCDTWSLGIT

ClinVar aggregate classification (germline): Uncertain significance. Review status: criteria provided, multiple submitters, no conflicts (2 of 4 stars). 2 submissions from 2 submitters: Uncertain significance (2). Last evaluated 2024-12-19.

gnomAD v4.1: 25 of 1,613,956 alleles (0.0015%); highest among the groups gnomAD compares: African/African-American, 0.0027%; no homozygotes.

Submissions (2):

Labcorp Genetics (formerly Invitae), Labcorp
Classification: Uncertain significance. Last evaluated: 2024-12-19. Review status: criteria provided, single submitter. Criteria: Invitae Variant Classification Sherloc (09022015). Collection method: clinical testing. Allele origin: germline.
Comment: This sequence change replaces alanine, which is neutral and non-polar, with threonine, which is neutral and polar, at codon 209 of the MYO3A protein (p.Ala209Thr). This variant is present in population databases (no rsID available, gnomAD 0.007%). This variant has not been reported in the literature in individuals affected with MYO3A-related conditions. ClinVar contains an entry for this variant (Variation ID: 1308607). An algorithm developed to predict the effect of missense changes on protein structure and function (PolyPhen-2) suggests that this variant is likely to be disruptive. In summary, the available evidence is currently insufficient to determine the role of this variant in disease. Therefore, it has been classified as a Variant of Uncertain Significance.

GeneDx
Classification: Uncertain significance. Last evaluated: 2019-02-12. Review status: criteria provided, single submitter. Criteria: GeneDx Variant Classification Process June 2021. Collection method: clinical testing. Allele origin: germline. Affected: yes.
Comment: In silico analysis, which includes protein predictors and evolutionary conservation, supports that this variant does not alter protein structure/function; Has not been previously published as pathogenic or benign to our knowledge